The following is an entry in ClinVar:

NM_001352027.3(PHF21A):c.508A>G (p.Ser170Gly)

Gene: PHF21A (PHD finger protein 21A; minus strand). Cytogenetic location: 11p11.2.
Variant type: single nucleotide variant.
Coding change: c.508A>G on transcript NM_001352027.3 (MANE Select); coding-DNA position 508, A replaced by G.
Protein change: p.Ser170Gly; replaces serine 170 with glycine.
Molecular consequence: missense variant. On other transcripts: non-coding transcript variant (2).
Genome position (GRCh38, 1-based): chr11:45,971,220, T>C on the plus strand (A>G on the coding strand, the complement: PHF21A is on the minus strand). VCF-style: chr11-45971220-T-C. GRCh37 (hg19) VCF-style: chr11-45992771-T-C.
Other names: c.508A>G, p.Ser170Gly (NM_001101802.3, NM_001352025.3, NM_001352026.3 and 5 more transcripts); c.505A>G, p.Ser169Gly (NM_001352030.3); short protein forms S169G, S170G.
Identifiers: ClinVar variation 3620113 (VCV003620113.2).

ClinVar aggregate classification (germline): Uncertain significance (1 of 4 stars; one submission).

gnomAD v4.1: 1 of 1,614,198 alleles (0.000062%); highest among the groups gnomAD compares: African/African-American, 0.0013%; no homozygotes.

Submission:

Labcorp Genetics (formerly Invitae), Labcorp
Classification: Uncertain significance. Last evaluated: 2024-03-20. Review status: criteria provided, single submitter. Criteria: Invitae Variant Classification Sherloc (09022015). Collection method: clinical testing. Allele origin: germline.
Comment: This sequence change replaces serine, which is neutral and polar, with glycine, which is neutral and non-polar, at codon 170 of the PHF21A protein (p.Ser170Gly). This variant is present in population databases (no rsID available, gnomAD 0.01%). This variant has not been reported in the literature in individuals affected with PHF21A-related conditions. Advanced modeling of protein sequence and biophysical properties (such as structural, functional, and spatial information, amino acid conservation, physicochemical variation, residue mobility, and thermodynamic stability) performed at Invitae indicates that this missense variant is not expected to disrupt PHF21A protein function with a negative predictive value of 80%. In summary, the available evidence is currently insufficient to determine the role of this variant in disease. Therefore, it has been classified as a Variant of Uncertain Significance.